The following is an entry in ClinVar:

ClinVar aggregate classification (germline): Uncertain significance (1 of 4 stars; one submission).

Submission:

CeGaT Center for Human Genetics Tuebingen
Classification: Uncertain significance. Last evaluated: 2025-10-01. Review status: criteria provided, single submitter. Criteria: CeGaT Center For Human Genetics Tuebingen Variant Classification Criteria Version 2. Collection method: clinical testing. Allele origin: germline. Affected: yes. Observed: 1 variant allele.
Comment: WNT1: PM2

NM_005430.4(WNT1):c.859C>A (p.His287Asn)

Gene: WNT1 (Wnt family member 1; plus strand). Cytogenetic location: 12q13.12.
Variant type: single nucleotide variant.
Coding change: c.859C>A on transcript NM_005430.4 (MANE Select); coding-DNA position 859, C replaced by A.
Protein change: p.His287Asn; replaces histidine 287 with asparagine.
Molecular consequence: missense variant.
Genome position (GRCh38, 1-based): chr12:48,981,386, C>A. VCF-style: chr12-48981386-C-A. GRCh37 (hg19) VCF-style: chr12-49375169-C-A.
Other names: short protein forms H287N.
Identifiers: ClinVar variation 4534440 (VCV004534440.6).